The following is an entry in ClinVar:

ClinVar aggregate classification (germline): Likely benign. Review status: criteria provided, multiple submitters, no conflicts (2 of 4 stars). 3 submissions from 3 submitters: Likely benign (2). 1 of the submissions does not count toward it. Last evaluated 2026-05-01.

Conditions:
Dystrophin deficiency.
Cardiomyopathy (CMYO). Also called: Cardiomyopathies. Identifiers: Orphanet 167848, MedGen C0878544, MONDO:0004994, HP:0001638. Inheritance: Various modes of inheritance.
Becker muscular dystrophy (BMD). Also called: Becker Muscular Dystrophy (BMD); MUSCULAR DYSTROPHY, PSEUDOHYPERTROPHIC PROGRESSIVE, BECKER TYPE. Identifiers: Orphanet 98895, MedGen C0917713, MONDO:0010311, OMIM 300376.
Duchenne muscular dystrophy (DMD). Also called: MUSCULAR DYSTROPHY, PSEUDOHYPERTROPHIC PROGRESSIVE, DUCHENNE TYPE; Duchenne Muscular Dystrophy (DMD). Identifiers: Orphanet 98896, MedGen C0013264, MONDO:0010679, OMIM 310200.

Allele frequency attached by ClinVar (database versions not stated): gnomAD 0.00001; gnomAD exomes 0.00001; TOPMed 0.00003.
gnomAD v4.1: 12 of 1,201,764 alleles (0.001%); highest among the groups gnomAD compares: Admixed American, 0.013%; no homozygotes.

Submissions (3):

CeGaT Center for Human Genetics Tuebingen
Classification: Likely benign. Last evaluated: 2026-05-01. Review status: criteria provided, single submitter. Criteria: CeGaT Center For Human Genetics Tuebingen Variant Classification Criteria Version 2. Collection method: clinical testing. Allele origin: germline. Affected: yes. Observed: 1 variant allele.
Comment: DMD: BP4, BS2

Labcorp Genetics (formerly Invitae), Labcorp
Classification: Likely benign for Duchenne muscular dystrophy. Last evaluated: 2026-02-01. Review status: criteria provided, single submitter. Criteria: Invitae Variant Classification Sherloc (09022015). Collection method: clinical testing. Allele origin: germline.

Natera, Inc.
Classification: Uncertain significance for Becker muscular dystrophy; Cardiomyopathy; Duchenne muscular dystrophy; Dystrophin deficiency. Last evaluated: 2020-04-27. Review status: no assertion criteria provided. Collection method: clinical testing. Allele origin: germline. Not counted in ClinVar's aggregate classification.

NM_004006.3(DMD):c.877A>G (p.Lys293Glu)

Gene: DMD (dystrophin; minus strand). Cytogenetic location: Xp21.1.
Variant type: single nucleotide variant.
Coding change: c.877A>G on transcript NM_004006.3 (MANE Select); coding-DNA position 877, A replaced by G.
Protein change: p.Lys293Glu; replaces lysine 293 with glutamic acid.
Molecular consequence: missense variant.
Genome position (GRCh38, 1-based): chrX:32,697,953, T>C on the plus strand (A>G on the coding strand, the complement: DMD is on the minus strand). VCF-style: chrX-32697953-T-C. GRCh37 (hg19) VCF-style: chrX-32716070-T-C.
Other names: c.853A>G, p.Lys285Glu (NM_000109.4); c.865A>G, p.Lys289Glu (NM_004009.3); c.508A>G, p.Lys170Glu (NM_004010.3); short protein forms K293E, K170E, K285E, K289E.
Identifiers: ClinVar variation 526095 (VCV000526095.10), dbSNP rs960307751, ClinGen allele CA328553677.
Genomic context (GRCh38, chrX:32,697,953, plus strand): 5'-TAGGGTCAGAGGTGGTGACATAAGCAGCCTGTGTGTAGGCATAGCTCTTGAATCGAGGCT[T>C]AGGGGAAGAAGTTCTCTCATATCCCTGTGCTAGACTGACCGTGATCTGCAGAGAAGGGTT-3'
Protein context (NP_003997.2, residues 283-303): AQGYERTSSP[Lys293Glu]PRFKSYAYTQ